The following is an entry in ClinVar:

NM_173354.5(SIK1):c.1160C>T (p.Ala387Val)

Gene: SIK1 (salt inducible kinase 1; minus strand). Cytogenetic location: 21q22.3.
Variant type: single nucleotide variant.
Coding change: c.1160C>T on transcript NM_173354.5 (MANE Select); coding-DNA position 1160, C replaced by T.
Protein change: p.Ala387Val; replaces alanine 387 with valine.
Molecular consequence: missense variant.
Genome position (GRCh38, 1-based): chr21:43,419,438, G>A on the plus strand (C>T on the coding strand, the complement: SIK1 is on the minus strand). VCF-style: chr21-43419438-G-A. GRCh37 (hg19) VCF-style: chr21-44839318-G-A.
Other names: short protein forms A387V.
Identifiers: ClinVar variation 1490752 (VCV001490752.8), dbSNP rs2146471459, ClinGen allele CA410608601.

ClinVar aggregate classification (germline): Uncertain significance (1 of 4 stars; one submission).

Conditions:
Developmental and epileptic encephalopathy, 30 (DEE30). Also called: Epileptic encephalopathy, early infantile, 30. Identifiers: MedGen C4225360, MONDO:0014595, OMIM 616341.

Submission:

Labcorp Genetics (formerly Invitae), Labcorp
Classification: Uncertain significance for Developmental and epileptic encephalopathy, 30. Last evaluated: 2021-03-25. Review status: criteria provided, single submitter. Criteria: Invitae Variant Classification Sherloc (09022015). Collection method: clinical testing. Allele origin: germline.
Comment: In summary, the available evidence is currently insufficient to determine the role of this variant in disease. Therefore, it has been classified as a Variant of Uncertain Significance. Advanced modeling of protein sequence and biophysical properties (such as structural, functional, and spatial information, amino acid conservation, physicochemical variation, residue mobility, and thermodynamic stability) performed at Invitae indicates that this missense variant is not expected to disrupt SIK1 protein function. This variant has not been reported in the literature in individuals with SIK1-related conditions. This variant is not present in population databases (ExAC no frequency). This sequence change replaces alanine with valine at codon 387 of the SIK1 protein (p.Ala387Val). The alanine residue is weakly conserved and there is a small physicochemical difference between alanine and valine.